The following is an entry in ClinVar:

NM_001205293.3(CACNA1E):c.2603A>G (p.Asp868Gly)

Gene: CACNA1E (calcium voltage-gated channel subunit alpha1 E; plus strand). Cytogenetic location: 1q25.3.
Variant type: single nucleotide variant.
Coding change: c.2603A>G on transcript NM_001205293.3 (MANE Select); coding-DNA position 2603, A replaced by G.
Protein change: p.Asp868Gly; replaces aspartic acid 868 with glycine.
Molecular consequence: missense variant.
Genome position (GRCh38, 1-based): chr1:181,732,689, A>G. VCF-style: chr1-181732689-A-G. GRCh37 (hg19) VCF-style: chr1-181701825-A-G.
Other names: c.2603A>G, p.Asp868Gly (NM_000721.4); c.2546A>G, p.Asp849Gly (NM_001205294.2); short protein forms D849G, D868G.
Identifiers: ClinVar variation 1804937 (VCV001804937.2), dbSNP rs1481753705, ClinGen allele CA343618075.

ClinVar aggregate classification (germline): Uncertain significance (1 of 4 stars; one submission).

Conditions:
Developmental and epileptic encephalopathy, 69. Also called: EPILEPTIC ENCEPHALOPATHY, EARLY INFANTILE, 69. Identifiers: MedGen C4748988, MONDO:0032657, OMIM 618285.

Allele frequency attached by ClinVar (database versions not stated): gnomAD exomes below 0.00001; TOPMed below 0.00001.
gnomAD v4.1: 2 of 1,530,654 alleles (0.00013%); highest among the groups gnomAD compares: Non-Finnish European, 0.00018%; no homozygotes.

Submission:

Victorian Clinical Genetics Services, Murdoch Childrens Research Institute
Classification: Uncertain significance for Developmental and epileptic encephalopathy, 69. Last evaluated: 2021-05-06. Review status: criteria provided, single submitter. Criteria: ACMG Guidelines, 2015. Collection method: clinical testing. Allele origin: germline. Inheritance: Autosomal dominant inheritance.
Comment: Based on the classification scheme VCGS_Germline_v1.3.4, this variant is classified as VUS-3B. Following criteria are met: 0101 - Gain of function is a known mechanism of disease in this gene and is associated with early infantile epileptic encephalopathy 69 (MIM#618285). (I) 0107 - This gene is associated with autosomal dominant disease. (I) 0200 - Variant is predicted to result in a missense amino acid change from aspartic acid to glycine. (I) 0251 - This variant is heterozygous. (I) 0301 - Variant is absent from gnomAD (both v2 and v3). (SP) 0502 - Missense variant with conflicting in silico predictions and uninformative conservation. (I) 0604 - Variant is not located in an established domain, motif, hotspot or informative constraint region. (I) 0705 - No comparable missense variants have previous evidence for pathogenicity. (I) 0807 - This variant has no previous evidence of pathogenicity. (I) 0905 - No published segregation evidence has been identified for this variant. (I) 1007 - No published functional evidence has been identified for this variant. (I) 1208 - Inheritance information for this variant is not currently available in this individual. (I) Legend: (SP) - Supporting pathogenic, (I) - Information, (SB) - Supporting benign